The following is an entry in ClinVar:

ClinVar aggregate classification (germline): Uncertain significance (1 of 4 stars; one submission).

Conditions:
Cranioectodermal dysplasia 1 (CED1). Also called: LEVIN SYNDROME I. Identifiers: Orphanet 1515, MedGen C0432235, MONDO:0021093, OMIM 218330.

Submission:

Labcorp Genetics (formerly Invitae), Labcorp
Classification: Uncertain significance for Cranioectodermal dysplasia 1. Last evaluated: 2022-08-23. Review status: criteria provided, single submitter. Criteria: Invitae Variant Classification Sherloc (09022015). Collection method: clinical testing. Allele origin: germline.
Comment: In summary, the available evidence is currently insufficient to determine the role of this variant in disease. Therefore, it has been classified as a Variant of Uncertain Significance. Algorithms developed to predict the effect of missense changes on protein structure and function (SIFT, PolyPhen-2, Align-GVGD) all suggest that this variant is likely to be tolerated. This variant has not been reported in the literature in individuals affected with IFT122-related conditions. This variant is not present in population databases (gnomAD no frequency). This sequence change replaces valine, which is neutral and non-polar, with leucine, which is neutral and non-polar, at codon 1141 of the IFT122 protein (p.Val1141Leu).

NM_052989.3(IFT122):c.3268G>T (p.Val1090Leu)

Gene: IFT122 (intraflagellar transport 122; plus strand). Cytogenetic location: 3q22.1.
Variant type: single nucleotide variant.
Coding change: c.3268G>T on transcript NM_052989.3 (MANE Select); coding-DNA position 3268, G replaced by T.
Protein change: p.Val1090Leu; replaces valine 1090 with leucine.
Molecular consequence: missense variant.
Genome position (GRCh38, 1-based): chr3:129,517,471, G>T. VCF-style: chr3-129517471-G-T. GRCh37 (hg19) VCF-style: chr3-129236314-G-T.
Other names: c.3247G>T, p.Val1083Leu (NM_001280541.2); c.2818G>T, p.Val940Leu (NM_001280545.2); c.2641G>T, p.Val881Leu (NM_001280546.2); c.3271G>T, p.Val1091Leu (NM_001410808.1); c.3214G>T, p.Val1072Leu (NM_001410809.1); c.3094G>T, p.Val1032Leu (NM_001410810.1); c.3040G>T, p.Val1014Leu (NM_001410811.1); c.3037G>T, p.Val1013Leu (NM_001410813.1); and 5 more; short protein forms V1014L, V1141L, V940L, V980L, V1031L, V1083L, V962L, V979L.
Identifiers: ClinVar variation 2009330 (VCV002009330.4), dbSNP rs147517019, ClinGen allele CA82638449.